The following is an entry in ClinVar:

ClinVar aggregate classification (germline): Uncertain significance. Review status: criteria provided, multiple submitters, no conflicts (2 of 4 stars). 2 submissions from 2 submitters: Uncertain significance (2). Last evaluated 2025-05-24.

Conditions:
Hereditary cancer-predisposing syndrome. Also called: Neoplastic Syndromes, Hereditary; Hereditary neoplastic syndrome; Tumor predisposition; Hereditary Cancer Syndrome. Identifiers: Orphanet 140162, MedGen C0027672, MeSH D009386, MONDO:0015356.
Birt-Hogg-Dube syndrome. Also called: Birt Hogg Dubé syndrome. Identifiers: Orphanet 122, MedGen C0346010, MONDO:0800444.

gnomAD v4.1: 1 of 1,613,782 alleles (0.000062%); highest among the groups gnomAD compares: Non-Finnish European, 0.000085%; no homozygotes.

Submissions (2):

Ambry Genetics
Classification: Uncertain significance for Hereditary cancer-predisposing syndrome. Last evaluated: 2025-05-24. Review status: criteria provided, single submitter. Criteria: Ambry Variant Classification Scheme 2023. Collection method: clinical testing. Allele origin: germline.
Comment: The p.L383F variant (also known as c.1147C>T), located in coding exon 7 of the FLCN gene, results from a C to T substitution at nucleotide position 1147. The leucine at codon 383 is replaced by phenylalanine, an amino acid with highly similar properties. This amino acid position is conserved. In addition, this alteration is predicted to be deleterious by in silico analysis. Based on the available evidence, the clinical significance of this variant remains unclear.

Labcorp Genetics (formerly Invitae), Labcorp
Classification: Uncertain significance for Birt-Hogg-Dube syndrome. Last evaluated: 2024-07-23. Review status: criteria provided, single submitter. Criteria: Invitae Variant Classification Sherloc (09022015). Collection method: clinical testing. Allele origin: germline.
Comment: This sequence change replaces leucine, which is neutral and non-polar, with phenylalanine, which is neutral and non-polar, at codon 383 of the FLCN protein (p.Leu383Phe). This variant is not present in population databases (gnomAD no frequency). This variant has not been reported in the literature in individuals affected with FLCN-related conditions. Advanced modeling of protein sequence and biophysical properties (such as structural, functional, and spatial information, amino acid conservation, physicochemical variation, residue mobility, and thermodynamic stability) performed at Invitae indicates that this missense variant is not expected to disrupt FLCN protein function with a negative predictive value of 80%. In summary, the available evidence is currently insufficient to determine the role of this variant in disease. Therefore, it has been classified as a Variant of Uncertain Significance.

NM_144997.7(FLCN):c.1147C>T (p.Leu383Phe)

Gene: FLCN (folliculin; minus strand). Cytogenetic location: 17p11.2.
Variant type: single nucleotide variant.
Coding change: c.1147C>T on transcript NM_144997.7 (MANE Select); coding-DNA position 1147, C replaced by T.
Protein change: p.Leu383Phe; replaces leucine 383 with phenylalanine.
Molecular consequence: missense variant.
Genome position (GRCh38, 1-based): chr17:17,217,098, G>A on the plus strand (C>T on the coding strand, the complement: FLCN is on the minus strand). VCF-style: chr17-17217098-G-A. GRCh37 (hg19) VCF-style: chr17-17120412-G-A.
Other names: c.1201C>T, p.Leu401Phe (NM_001353229.2); c.1147C>T, p.Leu383Phe (NM_001353230.2, NM_001353231.2); short protein forms L383F, L401F.
Identifiers: ClinVar variation 3660291 (VCV003660291.3).